The following is an entry in ClinVar:

NM_000360.4(TH):c.91-860G>T

Gene: TH (tyrosine hydroxylase; minus strand). Cytogenetic location: 11p15.5.
Variant type: single nucleotide variant.
Coding change: c.91-860G>T on transcript NM_000360.4 (MANE Select); 860 bases into the intron before coding-DNA position 91, G replaced by T.
Molecular consequence: intron variant. On other transcripts: nonsense (2).
Genome position (GRCh38, 1-based): chr11:2,170,731, C>A on the plus strand (G>T on the coding strand, the complement: TH is on the minus strand). VCF-style: chr11-2170731-C-A. GRCh37 (hg19) VCF-style: chr11-2191961-C-A.
Other names: c.142G>T, p.Gly48Ter (NM_199292.3); c.130G>T, p.Gly44Ter (NM_199293.3); c.142G>T (NM_199292.2); short protein forms G44*, G48*.
Identifiers: ClinVar variation 2679194 (VCV002679194.3), dbSNP rs2495836407, ClinGen allele CA379112642.

ClinVar aggregate classification (germline): Likely pathogenic. Review status: criteria provided, multiple submitters, no conflicts (2 of 4 stars). 2 submissions from 2 submitters: Likely pathogenic (2). Last evaluated 2025-02-28.

Conditions:
TH-deficient dopa-responsive dystonia. Also called: Tyrosine Hydroxylase-Deficient Dopa-Responsive Dystonia; Segawa syndrome, autosomal recessive; DYT-TH. Identifiers: Orphanet 101150, MedGen C2673535, MONDO:0011551, OMIM 605407.

Submissions (2):

Natera, Inc.
Classification: Likely pathogenic for Autosomal recessive Segawa syndrome. Last evaluated: 2025-02-28. Review status: criteria provided, single submitter. Criteria: Natera Variant Classification Schema (03/2026). Collection method: clinical testing. Allele origin: germline.
Comment: The c.142G>T variant in TH is a nonsense variant predicted to introduce a stop codon at amino acid 48. This variant is expected to result in nonsense mediated decay, truncation, or a dysfunctional protein product. This variant is rare in the general population with a frequency below the threshold expected for the associated phenotype(s). Given the available evidence, this variant is classified as Likely Pathogenic.

Baylor Genetics
Classification: Likely pathogenic for TH-deficient dopa-responsive dystonia. Last evaluated: 2023-10-23. Review status: criteria provided, single submitter. Criteria: ACMG Guidelines, 2015. Collection method: clinical testing. Allele origin: unknown.